The following is an entry in ClinVar:

ClinVar aggregate classification (germline): Uncertain significance. Review status: criteria provided, multiple submitters, no conflicts (2 of 4 stars). 2 submissions from 2 submitters: Uncertain significance (2). Last evaluated 2025-04-17.

Allele frequency attached by ClinVar (database versions not stated): gnomAD 0.00002; TOPMed 0.00002; ExAC 0.00004.
gnomAD v4.1: 41 of 1,600,224 alleles (0.0026%); highest among the groups gnomAD compares: South Asian, 0.01%; no homozygotes.

Submissions (2):

Labcorp Genetics (formerly Invitae), Labcorp
Classification: Uncertain significance. Last evaluated: 2025-04-17. Review status: criteria provided, single submitter. Criteria: Invitae Variant Classification Sherloc (09022015). Collection method: clinical testing. Allele origin: germline.
Comment: This sequence change replaces arginine, which is basic and polar, with cysteine, which is neutral and slightly polar, at codon 2365 of the NBAS protein (p.Arg2365Cys). This variant is present in population databases (rs759896675, gnomAD 0.01%). This variant has not been reported in the literature in individuals affected with NBAS-related conditions. ClinVar contains an entry for this variant (Variation ID: 1704577). Invitae Evidence Modeling of protein sequence and biophysical properties (such as structural, functional, and spatial information, amino acid conservation, physicochemical variation, residue mobility, and thermodynamic stability) indicates that this missense variant is not expected to disrupt NBAS protein function with a negative predictive value of 95%. In summary, the available evidence is currently insufficient to determine the role of this variant in disease. Therefore, it has been classified as a Variant of Uncertain Significance.

Women's Health and Genetics/Laboratory Corporation of America, LabCorp
Classification: Uncertain significance. Last evaluated: 2022-07-01. Review status: criteria provided, single submitter. Criteria: LabCorp Variant Classification Summary - May 2015. Collection method: clinical testing. Allele origin: germline.
Comment: Variant summary: NBAS c.7093C>T (p.Arg2365Cys) results in a non-conservative amino acid change in the encoded protein sequence. Three of five in-silico tools predict a benign effect of the variant on protein function. The variant allele was found at a frequency of 3.7e-05 in 242878 control chromosomes (gnomAD). The available data on variant occurrences in the general population are insufficient to allow any conclusion about variant significance. To our knowledge, no occurrence of c.7093C>T in individuals affected with Liver Failure Acute Infantile, Type 2 and no experimental evidence demonstrating its impact on protein function have been reported. No clinical diagnostic laboratories have submitted clinical-significance assessments for this variant to ClinVar after 2014. Based on the evidence outlined above, the variant was classified as uncertain significance.

NM_015909.4(NBAS):c.7093C>T (p.Arg2365Cys)

Gene: NBAS (NBAS subunit of NRZ tethering complex; minus strand). Cytogenetic location: 2p24.3.
Variant type: single nucleotide variant.
Coding change: c.7093C>T on transcript NM_015909.4 (MANE Select); coding-DNA position 7093, C replaced by T.
Protein change: p.Arg2365Cys; replaces arginine 2365 with cysteine.
Molecular consequence: missense variant. On other transcripts: non-coding transcript variant (1).
Genome position (GRCh38, 1-based): chr2:15,167,071, G>A on the plus strand (C>T on the coding strand, the complement: NBAS is on the minus strand). VCF-style: chr2-15167071-G-A. GRCh37 (hg19) VCF-style: chr2-15307195-G-A.
Other names: short protein forms R2365C.
Identifiers: ClinVar variation 1704577 (VCV001704577.5), dbSNP rs759896675, ClinGen allele CA1534773.